The following is an entry in ClinVar:

ClinVar aggregate classification (germline): Uncertain significance. Review status: criteria provided, multiple submitters, no conflicts (2 of 4 stars). 2 submissions from 2 submitters: Uncertain significance (2). Last evaluated 2025-03-04.

Conditions:
Hereditary cancer-predisposing syndrome. Also called: Hereditary Cancer Syndrome; Hereditary neoplastic syndrome; Neoplastic Syndromes, Hereditary; Tumor predisposition. Identifiers: Orphanet 140162, MedGen C0027672, MeSH D009386, MONDO:0015356.

Submissions (2):

Center for Genomic Medicine, Rigshospitalet, Copenhagen University Hospital
Classification: Uncertain significance. Last evaluated: 2025-03-04. Review status: criteria provided, single submitter. Criteria: ACMG Guidelines, 2015. Collection method: clinical testing. Allele origin: germline.

Ambry Genetics
Classification: Uncertain significance for Hereditary cancer-predisposing syndrome. Last evaluated: 2020-06-11. Review status: criteria provided, single submitter. Criteria: Ambry Variant Classification Scheme 2023. Collection method: clinical testing. Allele origin: germline.
Comment: The p.I1467N variant (also known as c.4400T>A), located in coding exon 22 of the DICER1 gene, results from a T to A substitution at nucleotide position 4400. The isoleucine at codon 1467 is replaced by asparagine, an amino acid with dissimilar properties. This amino acid position is highly conserved in available vertebrate species. In addition, this alteration is predicted to be deleterious by in silico analysis. Since supporting evidence is limited at this time, the clinical significance of this alteration remains unclear.

NM_177438.3(DICER1):c.4400T>A (p.Ile1467Asn)

Gene: DICER1 (dicer 1, ribonuclease III; minus strand). Cytogenetic location: 14q32.13.
Variant type: single nucleotide variant.
Coding change: c.4400T>A on transcript NM_177438.3 (MANE Select); coding-DNA position 4400, T replaced by A.
Protein change: p.Ile1467Asn; replaces isoleucine 1467 with asparagine.
Molecular consequence: missense variant. On other transcripts: non-coding transcript variant (6).
Genome position (GRCh38, 1-based): chr14:95,096,520, A>T on the plus strand (T>A on the coding strand, the complement: DICER1 is on the minus strand). VCF-style: chr14-95096520-A-T. GRCh37 (hg19) VCF-style: chr14-95562857-A-T.
Other names: c.4400T>A, p.Ile1467Asn (NM_001195573.1, NM_001271282.3, NM_001291628.2 and 13 more transcripts); c.4118T>A, p.Ile1373Asn (NM_001395686.1); c.3995T>A, p.Ile1332Asn (NM_001395687.1, NM_001395688.1, NM_001395689.1 and 2 more transcripts); c.3833T>A, p.Ile1278Asn (NM_001395691.1); c.2717T>A, p.Ile906Asn (NM_001395697.1); short protein forms I1467N, I1278N, I1332N, I1373N, I906N.
Identifiers: ClinVar variation 1740337 (VCV001740337.4), dbSNP rs2542505738, ClinGen allele CA390868817.
Genomic context (GRCh38, chr14:95,096,520, plus strand): 5'-GATTTTTTGGGCATTTTCCATTCATATGCAGAATCAGTGGTTGAAAAAGGAGAAAGAGAG[A>T]TTTTCTTTACAAAAGCTCCTGACCCCATTAACATATTATCTATAAATCTGATATGTTCCT-3'
Protein context (NP_803187.1, residues 1457-1477): LMGSGAFVKK[Ile1467Asn]SLSPFSTTDS